The following is an entry in ClinVar:

ClinVar aggregate classification (germline): Uncertain significance. Review status: criteria provided, multiple submitters, no conflicts (2 of 4 stars). 2 submissions from 2 submitters: Uncertain significance (2). Last evaluated 2025-07-08.

Allele frequency attached by ClinVar (database versions not stated): TOPMed below 0.00001; gnomAD 0.00001.
gnomAD v4.1: 1 of 1,614,060 alleles (0.000062%); highest among the groups gnomAD compares: East Asian, 0.0022%; no homozygotes.

Submissions (2):

GeneDx
Classification: Uncertain significance. Last evaluated: 2025-07-08. Review status: criteria provided, single submitter. Criteria: GeneDx Variant Classification Process June 2021. Collection method: clinical testing. Allele origin: germline. Affected: yes.
Comment: Not observed at significant frequency in large population cohorts (gnomAD); In silico analysis suggests that this missense variant does not alter protein structure/function; Has not been previously published as pathogenic or benign to our knowledge

Athena Diagnostics
Classification: Uncertain significance. Last evaluated: 2023-03-06. Review status: criteria provided, single submitter. Criteria: Athena Diagnostics Criteria. Collection method: clinical testing. Allele origin: unknown.
Comment: Available data are insufficient to determine the clinical significance of the variant at this time. The frequency of this variant in the general population is uninformative in assessment of its pathogenicity. Computational tools disagree on the variant's effect on normal protein function.

NM_182961.4(SYNE1):c.9607C>T (p.Leu3203Phe)

Gene: SYNE1 (spectrin repeat containing nuclear envelope protein 1; minus strand). Cytogenetic location: 6q25.2.
Variant type: single nucleotide variant.
Coding change: c.9607C>T on transcript NM_182961.4 (MANE Select); coding-DNA position 9607, C replaced by T.
Protein change: p.Leu3203Phe; replaces leucine 3203 with phenylalanine.
Molecular consequence: missense variant.
Genome position (GRCh38, 1-based): chr6:152,369,515, G>A on the plus strand (C>T on the coding strand, the complement: SYNE1 is on the minus strand). VCF-style: chr6-152369515-G-A. GRCh37 (hg19) VCF-style: chr6-152690650-G-A.
Other names: c.9628C>T, p.Leu3210Phe (NM_033071.5); short protein forms L3203F, L3210F.
Identifiers: ClinVar variation 2684069 (VCV002684069.2), dbSNP rs1385643278, ClinGen allele CA366138318.
Genomic context (GRCh38, chr6:152,369,515, plus strand): 5'-GAGGCGGGCTCATCACCTGGAGCTTCTGCTGCTCCCTCCTCTTTGCTGGCAGATCATAGA[G>A]GCGATTGCTGCTTTCATGGACCATCTTCTCAGTTTTACTCAGCCAGTCCTGGATAGGCTC-3'
Protein context (NP_892006.3, residues 3193-3213): EKMVHESSNR[Leu3203Phe]YDLPAKRREQ